The following is an entry in ClinVar:

ClinVar aggregate classification (germline): Likely pathogenic. Review status: reviewed by expert panel (3 of 4 stars). 4 submissions from 4 submitters: Likely pathogenic (1). 3 of the submissions do not count toward it. Last evaluated 2025-06-11.

Conditions:
RPE65-related recessive retinopathy. Also called: Recessive RPE65 retinopathy. Identifiers: MedGen CN305526, MONDO:0100368.
Retinitis pigmentosa 20 (RP20). Identifiers: Orphanet 791, MedGen C3151086, MONDO:0013425, OMIM 613794.
Leber congenital amaurosis 2 (LCA2). Also called: AMAUROSIS CONGENITA OF LEBER II; Autosomal Recessive RPE65-Related Retinal Degeneration. Identifiers: Orphanet 65, MedGen C1859844, MONDO:0008765, OMIM 204100. Disease mechanism: loss of function.
Leber congenital amaurosis (LCA). Also called: Leber's amaurosis. Identifiers: Orphanet 65, MedGen C0339527, MeSH D057130, MONDO:0018998.

Allele frequency attached by ClinVar (database versions not stated): gnomAD 0.00001; TOPMed 0.00001.
gnomAD v4.1: 1 of 1,613,888 alleles (0.000062%); highest among the groups gnomAD compares: Non-Finnish European, 0.000085%; no homozygotes.

Submissions (4):

ClinGen Leber Congenital Amaurosis/early Onset Retinal Dystrophy Variant Curation Expert Panel, ClinGen
Classification: Likely pathogenic for RPE65-related recessive retinopathy. Last evaluated: 2025-06-11. Review status: reviewed by expert panel. Criteria: ClinGen LCAeoRD ACMG Specifications RPE65 V1.0.0. Collection method: curation. Allele origin: germline. Inheritance: Autosomal recessive inheritance.
Comment: NM_000329.3(RPE65):c.311G>A (p.Gly104Asp) is a missense variant resulting in replacement of glycine by aspartic acid at amino acid 104. Another missense variant in the same codon, NM_000329.3(RPE65):c.310G>A (p.Gly104Ser), has been reported in relation to RPE65-related recessive retinopathy (PMID: 26667666), however, the SpliceAI score of 0.01 for the NM_000329.3(RPE65):c.311G>A (p.Gly104Asp) variant and the score of 0.29 for the NM_000329.3(RPE65):c.310G>A (p.Gly104Ser) comparison variant were not within 10% of one another, so PM5 is not met. This variant is present in gnomAD v.4.1.0 at a GrpMax allele frequency of 0.000000847, with 1 allele / 1,180,012 total alleles in the European (non-Finnish) population, which is lower than the ClinGen LCA / eoRD VCEP PM2_Supporting threshold of <0.0002 (PM2_Supporting). This variant has been reported in at least 2 probands with early-onset severe retinal dystrophy who were compound heterozygous with either the NM_000329.3(RPE65):c.118G>A (p.Gly40Ser) variant suspected in trans (0.5 points, PMID: 19117922) or the NM_000329.3(RPE65):c.272G>A (p.Arg91Gln) variant confirmed in trans (1 point, PMID: 34830511, PMID: 25356976), both of which was previously classified pathogenic by the ClinGen LCA / eoRD VCEP (1.5 total points, PM3). At least one proband harboring this variant exhibits a phenotype including diagnosis of early onset severe retinal dystrophy (0.5 pts) with onset of night blindness (0.5 pts) at age 3 years (1 pt), reduced central visual acuity (1 pt), and genotyping by a targeted exome sequencing panel of 188 known inherited retinal degeneration genes (2 pts), which together are specific for RPE65-related recessive retinopathy (total 5 points, PMID: 34830511, PP4). The computational predictor REVEL gives a score of 0.962, which is above the ClinGen LCA / eoRD VCEP threshold of ≥0.773 and predicts a damaging effect on RPE65 function (PP3_Moderate). The splicing impact predictor SpliceAI gives a score of 0.01, which is below the ClinGen LCA / eoRD VCEP recommended threshold of ≥0.2 and does not strongly predict an impact on splicing. In summary, this variant meets the criteria to be classified as likely pathogenic for RPE65-related recessive retinopathy based on the ACMG/AMP criteria applied, as specified by the ClinGen LCA/eoRD VCEP: PM2_Supporting, PM3, PP3_Moderate, and PP4. (VCEP specifications version 1.0.0; date of approval 09/21/2023).

Myriad Genetics, Inc.
Classification: Likely pathogenic for RPE65-related recessive retinopathy. Last evaluated: 2025-11-03. Review status: criteria provided, single submitter. Criteria: Myriad Autosomal Dominant, Autosomal Recessive and X-Linked Classification Criteria (2023). Collection method: clinical testing. Allele origin: unknown. Not counted in ClinVar's aggregate classification.
Comment: NM_000329.2(RPE65):c.311G>A(G104D) is a missense variant classified as likely pathogenic in the context of inherited retinal dystrophy, RPE65-related. G104D has been observed in cases with relevant disease (PMID: 25356976, 34830511, 20079931). Relevant functional assessments of this variant are not available in the literature. Internal structural analysis of the variant is supportive of pathogenicity. G104D has not been observed in referenced population frequency databases. In summary, NM_000329.2(RPE65):c.311G>A(G104D) is a missense variant that has internal structural support for pathogenicity and has been observed more frequently in cases with the relevant disease than in healthy populations. Please note: this variant was assessed in the context of healthy population screening.

Labcorp Genetics (formerly Invitae), Labcorp
Classification: Pathogenic for Leber congenital amaurosis 2; Retinitis pigmentosa 20. Last evaluated: 2024-11-18. Review status: criteria provided, single submitter. Criteria: Invitae Variant Classification Sherloc (09022015). Collection method: clinical testing. Allele origin: germline. Not counted in ClinVar's aggregate classification.
Comment: This sequence change replaces glycine, which is neutral and non-polar, with aspartic acid, which is acidic and polar, at codon 104 of the RPE65 protein (p.Gly104Asp). This variant is not present in population databases (gnomAD no frequency). This missense change has been observed in individual(s) with clinical features of autosomal recessive Leber congenital amaurosis (PMID: 19117922, 25356976). In at least one individual the data is consistent with being in trans (on the opposite chromosome) from a pathogenic variant. ClinVar contains an entry for this variant (Variation ID: 2202769). Invitae Evidence Modeling of protein sequence and biophysical properties (such as structural, functional, and spatial information, amino acid conservation, physicochemical variation, residue mobility, and thermodynamic stability) indicates that this missense variant is expected to disrupt RPE65 protein function with a positive predictive value of 80%. This variant disrupts the p.Gly104 amino acid residue in RPE65. Other variant(s) that disrupt this residue have been determined to be pathogenic (PMID: 30268864, 33090715). This suggests that this residue is clinically significant, and that variants that disrupt this residue are likely to be disease-causing. For these reasons, this variant has been classified as Pathogenic.

Natera, Inc.
Classification: Likely pathogenic for Leber congenital amaurosis. Last evaluated: 2024-02-25. Review status: criteria provided, single submitter. Criteria: Natera Variant Classification Schema (03/2026). Collection method: clinical testing. Allele origin: germline. Not counted in ClinVar's aggregate classification.
Comment: The c.311G>A variant in RPE65 is a missense variant predicted to cause substitution of glycine to aspartic acid at amino acid 104. This variant is rare in the general population with a frequency below the threshold expected for the associated phenotype(s). This variant has been observed in one or more individuals affected with the associated recessive disease, as either homozygous or compound heterozygous with a second variant (PMID: 25356976, 20079931). A different variant at the same position has been determined to be Pathogenic or Likely Pathogenic. Computational prediction algorithms indicate this variant is likely to affect gene or protein function. Given the available evidence, this variant is classified as Likely Pathogenic.

Literature cited by the submitters: PubMed 20079931 (cited by Myriad Genetics, Inc. and Natera, Inc.); PubMed 25356976 (cited by 3 submitters); PubMed 34830511 (cited by Myriad Genetics, Inc.); PubMed 19117922 (cited by Labcorp Genetics (formerly Invitae), Labcorp); PubMed 30268864 (cited by Labcorp Genetics (formerly Invitae), Labcorp); PubMed 33090715 (cited by Labcorp Genetics (formerly Invitae), Labcorp).

NM_000329.3(RPE65):c.311G>A (p.Gly104Asp)

Gene: RPE65 (retinoid isomerohydrolase RPE65; minus strand). Cytogenetic location: 1p31.3.
Variant type: single nucleotide variant.
Coding change: c.311G>A on transcript NM_000329.3 (MANE Select); coding-DNA position 311, G replaced by A.
Protein change: p.Gly104Asp; replaces glycine 104 with aspartic acid.
Molecular consequence: missense variant.
Genome position (GRCh38, 1-based): chr1:68,444,818, C>T on the plus strand (G>A on the coding strand, the complement: RPE65 is on the minus strand). VCF-style: chr1-68444818-C-T. GRCh37 (hg19) VCF-style: chr1-68910501-C-T.
Other names: NM_000329.3(RPE65):c.311G>A; p.Gly104Asp; c.35G>A, p.Gly12Asp (NM_001406856.1, NM_001406857.1); c.311G>A, p.Gly104Asp (NM_001406859.1, NM_001406860.1); c.311G>A (NM_000329.2); short protein forms G104D, G12D.
Identifiers: ClinVar variation 2202769 (VCV002202769.8), dbSNP rs61752875, ClinGen allele CA340748262.